The following is an entry in ClinVar:

ClinVar aggregate classification (germline): Uncertain significance (1 of 4 stars; one submission).

Conditions:
Fanconi anemia complementation group O. Also called: RAD51C-Related Fanconi Anemia. Identifiers: Orphanet 84, MedGen C3150653, MONDO:0013248, OMIM 613390.

Allele frequency attached by ClinVar (database versions not stated): gnomAD exomes below 0.00001.
gnomAD v4.1: 2 of 1,614,198 alleles (0.00012%); highest among the groups gnomAD compares: South Asian, 0.0022%; no homozygotes.

Submission:

Labcorp Genetics (formerly Invitae), Labcorp
Classification: Uncertain significance for Fanconi anemia complementation group O. Last evaluated: 2023-02-18. Review status: criteria provided, single submitter. Criteria: Invitae Variant Classification Sherloc (09022015). Collection method: clinical testing. Allele origin: germline.
Comment: In summary, the available evidence is currently insufficient to determine the role of this variant in disease. Therefore, it has been classified as a Variant of Uncertain Significance. Advanced modeling of protein sequence and biophysical properties (such as structural, functional, and spatial information, amino acid conservation, physicochemical variation, residue mobility, and thermodynamic stability) performed at Invitae indicates that this missense variant is expected to disrupt RAD51C protein function. This variant has not been reported in the literature in individuals affected with RAD51C-related conditions. This variant is present in population databases (no rsID available, gnomAD 0.003%). This sequence change replaces phenylalanine, which is neutral and non-polar, with isoleucine, which is neutral and non-polar, at codon 8 of the RAD51C protein (p.Phe8Ile).

NM_058216.3(RAD51C):c.22T>A (p.Phe8Ile)

Gene: RAD51C (RAD51 paralog C; plus strand). Cytogenetic location: 17q22.
Variant type: single nucleotide variant.
Coding change: c.22T>A on transcript NM_058216.3 (MANE Select); coding-DNA position 22, T replaced by A.
Protein change: p.Phe8Ile; replaces phenylalanine 8 with isoleucine.
Molecular consequence: missense variant. On other transcripts: non-coding transcript variant (2).
Genome position (GRCh38, 1-based): chr17:58,692,665, T>A. VCF-style: chr17-58692665-T-A. GRCh37 (hg19) VCF-style: chr17-56770026-T-A.
Other names: c.22T>A, p.Phe8Ile (NM_002876.4, NM_058217.1); short protein forms F8I.
Identifiers: ClinVar variation 2838585 (VCV002838585.3), dbSNP rs1349262257, ClinGen allele CA400336256.